The following is an entry in ClinVar:

ClinVar aggregate classification (germline): Uncertain significance (1 of 4 stars; one submission).

Submission:

Labcorp Genetics (formerly Invitae), Labcorp
Classification: Uncertain significance. Last evaluated: 2024-06-26. Review status: criteria provided, single submitter. Criteria: Invitae Variant Classification Sherloc (09022015). Collection method: clinical testing. Allele origin: germline.
Comment: This sequence change replaces glycine, which is neutral and non-polar, with arginine, which is basic and polar, at codon 202 of the LOX protein (p.Gly202Arg). The frequency data for this variant in the population databases is considered unreliable, as metrics indicate poor data quality at this position in the gnomAD database. This variant has not been reported in the literature in individuals affected with LOX-related conditions. ClinVar contains an entry for this variant (Variation ID: 2130729). Advanced modeling of protein sequence and biophysical properties (such as structural, functional, and spatial information, amino acid conservation, physicochemical variation, residue mobility, and thermodynamic stability) has been performed at Invitae for this missense variant, however the output from this modeling did not meet the statistical confidence thresholds required to predict the impact of this variant on LOX protein function. In summary, the available evidence is currently insufficient to determine the role of this variant in disease. Therefore, it has been classified as a Variant of Uncertain Significance.

NM_002317.7(LOX):c.604G>A (p.Gly202Arg)

Genes: LOX (lysyl oxidase; minus strand), SRFBP1 (serum response factor binding protein 1; plus strand). Cytogenetic location: 5q23.1.
Variant type: single nucleotide variant.
Coding change: c.604G>A on transcript NM_002317.7 (MANE Select); coding-DNA position 604, G replaced by A.
Protein change: p.Gly202Arg; replaces glycine 202 with arginine.
Molecular consequence: missense variant.
Genome position (GRCh38, 1-based): chr5:122,077,382, C>T on the plus strand (G>A on the coding strand, the complement: LOX is on the minus strand). VCF-style: chr5-122077382-C-T. GRCh37 (hg19) VCF-style: chr5-121413077-C-T.
Other names: short protein forms G202R.
Identifiers: ClinVar variation 2130729 (VCV002130729.4), dbSNP rs1473260982, ClinGen allele CA360875453.